The following is an entry in ClinVar:

NM_001429.4(EP300):c.5440C>T (p.Arg1814Trp)

Gene: EP300 (E1A binding protein p300; plus strand). Cytogenetic location: 22q13.2.
Variant type: single nucleotide variant.
Coding change: c.5440C>T on transcript NM_001429.4 (MANE Select); coding-DNA position 5440, C replaced by T.
Protein change: p.Arg1814Trp; replaces arginine 1814 with tryptophan.
Molecular consequence: missense variant.
Genome position (GRCh38, 1-based): chr22:41,177,151, C>T. VCF-style: chr22-41177151-C-T. GRCh37 (hg19) VCF-style: chr22-41573155-C-T.
Other names: c.5362C>T, p.Arg1788Trp (NM_001362843.2); short protein forms R1788W, R1814W.
Identifiers: ClinVar variation 1205523 (VCV001205523.3), dbSNP rs757325753, ClinGen allele CA411708982.

ClinVar aggregate classification (germline): Likely benign (1 of 4 stars; one submission).

gnomAD v4.1: 14 of 1,613,950 alleles (0.00087%); highest among the groups gnomAD compares: African/African-American, 0.0013%; no homozygotes.

Submission:

GeneDx
Classification: Likely benign. Last evaluated: 2020-09-16. Review status: criteria provided, single submitter. Criteria: GeneDx Variant Classification Process June 2021. Collection method: clinical testing. Allele origin: germline. Affected: yes.
Comment: In silico analysis, which includes protein predictors and evolutionary conservation, supports a deleterious effect; Has not been previously published as pathogenic or benign to our knowledge